The following is an entry in ClinVar:

ClinVar aggregate classification (germline): Pathogenic. Review status: criteria provided, single submitter (1 of 4 stars). 3 submissions from 3 submitters: Pathogenic (1). 2 of the submissions do not count toward it. Last evaluated 2022-06-22.

Conditions:
Agammaglobulinemia 10, autosomal dominant (AGM10). Also called: AGAMMAGLOBULINEMIA, AUTOSOMAL DOMINANT, DUE TO SPI1 DEFECT. Identifiers: MedGen C5676900, MONDO:0030529, OMIM 619707.
Agammaglobulinemia. Identifiers: Orphanet 183669, MedGen C0001768, MeSH D000361, MONDO:0015977, HP:0004432.

Submissions (3):

SIB Swiss Institute of Bioinformatics
Classification: Pathogenic for Agammaglobulinemia 10, autosomal dominant. Last evaluated: 2022-06-22. Review status: criteria provided, single submitter. Criteria: ACMG Guidelines, 2015. Collection method: curation. Allele origin: unknown.
Comment: This variant is interpreted as pathogenic for Agammaglobulinemia 10, autosomal dominant. The following ACMG Tag(s) were applied: Absent from controls (or at extremely low frequency if recessive) in Exome Sequencing Project, 1000 Genomes Project, or Exome Aggregation Consortium (PM2); Assumed de novo, but without confirmation of paternity and maternity (PM6); Predicted nullvariant in a gene where LOF is a known mechanism of disease (PVS1 downgraded to strong); Well-established functional studies show a deleterious effect (PS3).

Neil Romberg Laboratory, Children's Hospital of Philadelphia
Classification: Pathogenic for Agammaglobulinemia. Last evaluated: 2024-08-28. Review status: no assertion criteria provided. Collection method: research. Allele origin: germline. Affected: yes. Not counted in ClinVar's aggregate classification.

OMIM
Classification: Pathogenic for AGAMMAGLOBULINEMIA 10, AUTOSOMAL DOMINANT. Last evaluated: 2022-01-25. Review status: no assertion criteria provided. Collection method: literature only. Allele origin: germline. Not counted in ClinVar's aggregate classification.

Literature cited by the submitters: PubMed 33951726 (cited by SIB Swiss Institute of Bioinformatics and OMIM).

NM_003120.3(SPI1):c.363C>A (p.Tyr121Ter)

Gene: SPI1 (Spi-1 proto-oncogene; minus strand). Cytogenetic location: 11p11.2.
Variant type: single nucleotide variant.
Coding change: c.363C>A on transcript NM_003120.3 (MANE Select); coding-DNA position 363, C replaced by A.
Protein change: p.Tyr121Ter; replaces tyrosine 121 with a stop codon.
Molecular consequence: nonsense.
Genome position (GRCh38, 1-based): chr11:47,358,974, G>T on the plus strand (C>A on the coding strand, the complement: SPI1 is on the minus strand). VCF-style: chr11-47358974-G-T. GRCh37 (hg19) VCF-style: chr11-47380525-G-T.
Other names: c.366C>A, p.Tyr122Ter (NM_001080547.2); short protein forms Y122*, Y121*.
Identifiers: ClinVar variation 1335903 (VCV001335903.3), dbSNP rs2095916574, ClinGen allele CA380351832.
Genomic context (GRCh38, chr11:47,358,974, plus strand): 5'-GGGGCTCTGCCGCTCGCCCTCCTCCTCATCTGAGCTGGGCTGGGCTGGGGACAGGGATGG[G>T]TACTGGAGGCACATCCGGGGCAGGTAGGAGACCTGGACGGTGGGGGAAGGAGATCAGAGT-3'